The following is an entry in ClinVar:

ClinVar aggregate classification (germline): Benign/Likely benign. Review status: criteria provided, multiple submitters, no conflicts (2 of 4 stars). 4 submissions from 4 submitters: Benign (1); Likely benign (3). Last evaluated 2025-09-27.

Conditions:
Hereditary cancer-predisposing syndrome. Also called: Hereditary Cancer Syndrome; Hereditary neoplastic syndrome; Neoplastic Syndromes, Hereditary; Tumor predisposition. Identifiers: Orphanet 140162, MedGen C0027672, MeSH D009386, MONDO:0015356.
Hereditary diffuse gastric adenocarcinoma (HDGC). Also called: DIFFUSE GASTRIC AND LOBULAR BREAST CANCER SYNDROME. Identifiers: Orphanet 26106, MedGen C1708349, MONDO:0007648, OMIM 137215.

Allele frequency attached by ClinVar (database versions not stated): gnomAD 0.00001; gnomAD exomes 0.00001; ExAC 0.00006.
gnomAD v4.1: 4 of 1,546,196 alleles (0.00026%); highest among the groups gnomAD compares: South Asian, 0.0036%; no homozygotes.

Submissions (4):

Labcorp Genetics (formerly Invitae), Labcorp
Classification: Likely benign for Hereditary diffuse gastric adenocarcinoma. Last evaluated: 2025-09-27. Review status: criteria provided, single submitter. Criteria: Invitae Variant Classification Sherloc (09022015). Collection method: clinical testing. Allele origin: germline.

Ambry Genetics
Classification: Likely benign for Hereditary cancer-predisposing syndrome. Last evaluated: 2024-11-16. Review status: criteria provided, single submitter. Criteria: Ambry Variant Classification Scheme 2023. Collection method: clinical testing. Allele origin: germline.

Myriad Genetics, Inc.
Classification: Benign for Hereditary diffuse gastric adenocarcinoma. Last evaluated: 2024-09-11. Review status: criteria provided, single submitter. Criteria: Myriad Autosomal Dominant, Autosomal Recessive and X-Linked Classification Criteria (2023). Collection method: clinical testing. Allele origin: unknown.
Comment: This variant is considered benign. This variant is a silent/synonymous amino acid change and it is not expected to impact splicing.

Color Diagnostics, LLC DBA Color Health
Classification: Likely benign for Hereditary cancer-predisposing syndrome. Last evaluated: 2018-11-26. Review status: criteria provided, single submitter. Criteria: ACMG Guidelines, 2015. Collection method: clinical testing. Allele origin: germline.

NM_004360.5(CDH1):c.156G>A (p.Leu52=)

Gene: CDH1 (cadherin 1; plus strand). Cytogenetic location: 16q22.1.
Variant type: single nucleotide variant.
Coding change: c.156G>A on transcript NM_004360.5 (MANE Select); coding-DNA position 156, G replaced by A.
Protein change: p.Leu52=; no amino-acid change (leucine 52 retained).
Molecular consequence: synonymous variant. On other transcripts: 5 prime UTR variant (2).
Genome position (GRCh38, 1-based): chr16:68,738,404, G>A. VCF-style: chr16-68738404-G-A. GRCh37 (hg19) VCF-style: chr16-68772307-G-A.
Other names: c.156G>A (NM_004360.3); c.156G>A, p.Leu52= (NM_001317184.2); c.-1460G>A (NM_001317185.2); c.-1664G>A (NM_001317186.2).
Identifiers: ClinVar variation 919860 (VCV000919860.12), dbSNP rs748336113, ClinGen allele CA8129796.